The following is an entry in ClinVar:

ClinVar aggregate classification (germline): Conflicting classifications of pathogenicity. Review status: criteria provided, conflicting classifications (1 of 4 stars). 9 submissions from 9 submitters: Uncertain significance (5); Likely benign (1). 3 of the submissions do not count toward it. Last evaluated 2026-07-31.

Conditions:
Retinal dystrophy. Also called: Inherited retinal dystrophy. Identifiers: Orphanet 71862, MedGen C0854723, MeSH D058499, MONDO:0019118, HP:0000556.
Cardiovascular phenotype. Identifiers: MedGen CN230736.
Alstrom syndrome (ALMS). Identifiers: Orphanet 64, MedGen C0268425, MONDO:0008763, OMIM 203800.

Allele frequency attached by ClinVar (database versions not stated): gnomAD 0.00002 and 0.00003; ExAC 0.00007; gnomAD exomes 0.00007 and 0.00008; TOPMed 0.00008.
gnomAD v4.1: 126 of 1,613,816 alleles (0.0078%); highest among the groups gnomAD compares: Middle Eastern, 0.21%; no homozygotes.

Submissions (9):

GeneDx
Classification: Uncertain significance. Last evaluated: 2026-07-31. Review status: criteria provided, single submitter. Criteria: GeneDx Variant Classification Process June 2021. Collection method: clinical testing. Allele origin: germline.
Comment: Not observed at significant frequency in large population cohorts (gnomAD); In silico analysis suggests that this missense variant does not alter protein structure/function; Also known as T1137A; This variant is associated with the following publications: (PMID: 31898538)

CeGaT Center for Human Genetics Tuebingen
Classification: Uncertain significance. Last evaluated: 2026-02-01. Review status: criteria provided, single submitter. Criteria: CeGaT Center For Human Genetics Tuebingen Variant Classification Criteria Version 2. Collection method: clinical testing. Allele origin: germline. Affected: yes. Observed: 1 variant allele.
Comment: ALMS1: PM2, BP4

Blueprint Genetics
Classification: Uncertain significance. Last evaluated: 2024-11-05. Review status: criteria provided, single submitter. Criteria: ACMG Guidelines, 2015. Collection method: clinical testing. Allele origin: germline.

Ambry Genetics
Classification: Likely benign for Cardiovascular phenotype. Last evaluated: 2024-10-09. Review status: criteria provided, single submitter. Criteria: Ambry Variant Classification Scheme 2023. Collection method: clinical testing. Allele origin: germline.

Labcorp Genetics (formerly Invitae), Labcorp
Classification: Uncertain significance for Alstrom syndrome. Last evaluated: 2022-08-08. Review status: criteria provided, single submitter. Criteria: Invitae Variant Classification Sherloc (09022015). Collection method: clinical testing. Allele origin: germline.
Comment: This sequence change replaces threonine, which is neutral and polar, with alanine, which is neutral and non-polar, at codon 1139 of the ALMS1 protein (p.Thr1139Ala). This variant is present in population databases (rs201884768, gnomAD 0.01%). This variant has not been reported in the literature in individuals affected with ALMS1-related conditions. ClinVar contains an entry for this variant (Variation ID: 529375). Experimental studies and prediction algorithms are not available or were not evaluated, and the functional significance of this variant is currently unknown. In summary, the available evidence is currently insufficient to determine the role of this variant in disease. Therefore, it has been classified as a Variant of Uncertain Significance.

Fulgent Genetics
Classification: Uncertain significance for Alstrom syndrome. Last evaluated: 2021-11-22. Review status: criteria provided, single submitter. Criteria: ACMG Guidelines, 2015. Collection method: clinical testing. Allele origin: unknown.

Institute of Human Genetics, Univ. Regensburg, Univ. Regensburg
Classification: Uncertain significance for Retinal dystrophy. Last evaluated: 2023-01-01. Review status: no assertion criteria provided. Criteria: ACMG Guidelines, 2015. Collection method: clinical testing. Allele origin: germline. Affected: yes. Not counted in ClinVar's aggregate classification.

Natera, Inc.
Classification: Uncertain significance for Alstrom syndrome. Last evaluated: 2020-03-17. Review status: no assertion criteria provided. Collection method: clinical testing. Allele origin: germline. Not counted in ClinVar's aggregate classification.

Counsyl
Classification: Uncertain significance for Alstrom syndrome. Last evaluated: 2017-05-15. Review status: no assertion criteria provided. Collection method: clinical testing. Allele origin: unknown. Not counted in ClinVar's aggregate classification.

Literature cited by the submitters: PubMed 31898538 (cited by Ambry Genetics).

NM_001378454.1(ALMS1):c.3412A>G (p.Thr1138Ala)

Gene: ALMS1 (ALMS1 centrosome and basal body associated protein; plus strand). Cytogenetic location: 2p13.1.
Variant type: single nucleotide variant.
Coding change: c.3412A>G on transcript NM_001378454.1 (MANE Select); coding-DNA position 3412, A replaced by G.
Protein change: p.Thr1138Ala; replaces threonine 1138 with alanine.
Molecular consequence: missense variant.
Genome position (GRCh38, 1-based): chr2:73,449,939, A>G. VCF-style: chr2-73449939-A-G. GRCh37 (hg19) VCF-style: chr2-73677066-A-G.
Other names: c.3415A>G, p.Thr1139Ala (NM_015120.4); short protein forms T1139A, T1138A.
Identifiers: ClinVar variation 529375 (VCV000529375.18), dbSNP rs201884768, ClinGen allele CA1713521.
Genomic context (GRCh38, chr2:73,449,939, plus strand): 5'-AAAGAGGCTCTGAAAATTTCAGTAGCTCCTGGACTAGCAGACCAGAAGACTGGCACACCA[A>G]CTGTAACCTCAACTTCCTACTCACAACATAGAGAAAAGCCCAGCATTTTCCACCAGCAGG-3'
Protein context (NP_001365383.1, residues 1128-1148): GLADQKTGTP[Thr1138Ala]VTSTSYSQHR